The following is an entry in ClinVar:

ClinVar aggregate classification (germline): Uncertain significance (1 of 4 stars; one submission).

Conditions:
Joubert syndrome 21 (JBTS21). Identifiers: MedGen C3810212, MONDO:0014288, OMIM 615636.

Allele frequency attached by ClinVar (database versions not stated): gnomAD 0.00001; gnomAD exomes 0.00001; ExAC 0.00003; 1000 Genomes Project 0.00020; 1000 Genomes Project 30x 0.00031.
gnomAD v4.1: 22 of 1,613,996 alleles (0.0014%); highest among the groups gnomAD compares: South Asian, 0.021%; no homozygotes.

Submission:

Labcorp Genetics (formerly Invitae), Labcorp
Classification: Uncertain significance for Joubert syndrome 21. Last evaluated: 2022-03-29. Review status: criteria provided, single submitter. Criteria: Invitae Variant Classification Sherloc (09022015). Collection method: clinical testing. Allele origin: germline.
Comment: This sequence change replaces aspartic acid, which is acidic and polar, with asparagine, which is neutral and polar, at codon 275 of the CSPP1 protein (p.Asp275Asn). This variant is present in population databases (rs558788838, gnomAD 0.03%). This variant has not been reported in the literature in individuals affected with CSPP1-related conditions. Algorithms developed to predict the effect of missense changes on protein structure and function output the following: SIFT: "Tolerated"; PolyPhen-2: "Benign"; Align-GVGD: "Class C0". The asparagine amino acid residue is found in multiple mammalian species, which suggests that this missense change does not adversely affect protein function. In summary, the available evidence is currently insufficient to determine the role of this variant in disease. Therefore, it has been classified as a Variant of Uncertain Significance.

NM_001382391.1(CSPP1):c.796G>A (p.Asp266Asn)

Gene: CSPP1 (centrosome and spindle pole associated protein 1; plus strand). Cytogenetic location: 8q13.1.
Variant type: single nucleotide variant.
Coding change: c.796G>A on transcript NM_001382391.1 (MANE Select); coding-DNA position 796, G replaced by A.
Protein change: p.Asp266Asn; replaces aspartic acid 266 with asparagine.
Molecular consequence: missense variant. On other transcripts: 5 prime UTR variant (1).
Genome position (GRCh38, 1-based): chr8:67,095,605, G>A. VCF-style: chr8-67095605-G-A. GRCh37 (hg19) VCF-style: chr8-68007840-G-A.
Other names: c.-60G>A (NM_001291339.2); c.715G>A, p.Asp239Asn (NM_001363131.2, NM_001363133.2); c.796G>A, p.Asp266Asn (NM_001363132.2); c.904G>A, p.Asp302Asn (NM_001364869.1); c.823G>A, p.Asp275Asn (NM_001364870.1, NM_024790.7); short protein forms D239N, D266N, D275N, D302N.
Identifiers: ClinVar variation 1912548 (VCV001912548.2), dbSNP rs558788838, ClinGen allele CA4770359.